The following is an entry in ClinVar:

NM_000059.4(BRCA2):c.4211C>G (p.Ser1404Ter)

Gene: BRCA2 (BRCA2 DNA repair associated; plus strand). Cytogenetic location: 13q13.1.
Variant type: single nucleotide variant.
Coding change: c.4211C>G on transcript NM_000059.4 (MANE Select); coding-DNA position 4211, C replaced by G.
Protein change: p.Ser1404Ter; replaces serine 1404 with a stop codon.
Molecular consequence: nonsense.
Genome position (GRCh38, 1-based): chr13:32,338,566, C>G. VCF-style: chr13-32338566-C-G. GRCh37 (hg19) VCF-style: chr13-32912703-C-G.
Other names: 4439C>G; short protein forms S1404*.
Identifiers: ClinVar variation 266795 (VCV000266795.25), dbSNP rs41293489, ClinGen allele CA10589245.

ClinVar aggregate classification (germline): Pathogenic. Review status: reviewed by expert panel (3 of 4 stars). 8 submissions from 8 submitters: Pathogenic (1). 7 of the submissions do not count toward it. Last evaluated 2016-10-18.

Conditions:
Hereditary cancer-predisposing syndrome. Also called: Tumor predisposition; Neoplastic Syndromes, Hereditary; Hereditary neoplastic syndrome; Hereditary Cancer Syndrome. Identifiers: Orphanet 140162, MedGen C0027672, MeSH D009386, MONDO:0015356.
Hereditary breast ovarian cancer syndrome. Also called: Hereditary breast and ovarian cancer; Hereditary breast and ovarian cancer syndrome (HBOC); Hereditary breast and/or ovarian cancer syndrome; Breast and ovarian cancer; Hereditary breast and ovarian cancer syndrome; BRCA1- and BRCA2-Associated Hereditary Breast and Ovarian Cancer. Identifiers: Orphanet 145, MedGen C0677776, MeSH D061325, MONDO:0003582. Disease mechanism: loss of function.
Familial cancer of breast. Also called: Hereditary breast cancer; BREAST CANCER, FAMILIAL; hereditary breast carcinoma. Identifiers: Orphanet 227535, MedGen C0346153, MONDO:0016419, OMIM 114480. Disease mechanism: loss of function.
Breast-ovarian cancer, familial, susceptibility to, 2 (BROVCA2). Also called: BRCA2 Hereditary Breast and Ovarian Cancer. Identifiers: Orphanet 145, MedGen C2675520, MONDO:0012933, OMIM 612555. Disease mechanism: loss of function.

gnomAD v4.1: 1 of 1,595,722 alleles (0.000063%); highest among the groups gnomAD compares: Non-Finnish European, 0.000085%; no homozygotes.

Submissions (8):

Evidence-based Network for the Interpretation of Germline Mutant Alleles (ENIGMA)
Classification: Pathogenic for Breast-ovarian cancer, familial, susceptibility to, 2. Last evaluated: 2016-10-18. Review status: reviewed by expert panel. Criteria: ENIGMA BRCA1/2 Classification Criteria (2015). Collection method: curation. Allele origin: germline.
Comment: Variant allele predicted to encode a truncated non-functional protein.

Ambry Genetics
Classification: Pathogenic for Hereditary cancer-predisposing syndrome. Last evaluated: 2025-10-17. Review status: criteria provided, single submitter. Criteria: Ambry Variant Classification Scheme 2023. Collection method: clinical testing. Allele origin: germline. Not counted in ClinVar's aggregate classification.
Comment: The c.4211C>G (p.S1404*) alteration, located in exon 11 (coding exon 10) of the BRCA2 gene, consists of a C to G substitution at nucleotide position 4211. This changes the amino acid from a serine (S) to a stop codon at amino acid position 1404. This alteration is expected to result in loss of function by premature protein truncation or nonsense-mediated mRNA decay. This variant was not reported in population-based cohorts in the Genome Aggregation Database (gnomAD). Based on the available evidence, this alteration is classified as pathogenic.

Color Diagnostics, LLC DBA Color Health
Classification: Pathogenic for Hereditary cancer-predisposing syndrome. Last evaluated: 2025-03-04. Review status: criteria provided, single submitter. Criteria: ACMG Guidelines, 2015. Collection method: clinical testing. Allele origin: germline. Not counted in ClinVar's aggregate classification.
Comment: This variant changes 1 nucleotide in exon 11 of the BRCA2 gene, creating a premature stop signal. This variant is expected to result in an absent or non-functional protein product. This variant has been reported in individuals affected with breast, ovarian, and prostate cancer (PMID: 25151137, 29580149, 30039884, 35734583, 36999648) and has been identified in 2 families among the CIMBA participants (PMID: 29446198). This variant has not been identified in the general population by the Genome Aggregation Database (gnomAD). Loss of BRCA2 function is a known mechanism of disease. Based on the available evidence, this variant is classified as Pathogenic.

Labcorp Genetics (formerly Invitae), Labcorp
Classification: Pathogenic for Hereditary breast ovarian cancer syndrome. Last evaluated: 2024-11-04. Review status: criteria provided, single submitter. Criteria: Invitae Variant Classification Sherloc (09022015). Collection method: clinical testing. Allele origin: germline. Not counted in ClinVar's aggregate classification.
Comment: This sequence change creates a premature translational stop signal (p.Ser1404*) in the BRCA2 gene. It is expected to result in an absent or disrupted protein product. Loss-of-function variants in BRCA2 are known to be pathogenic (PMID: 20104584). This variant is not present in population databases (gnomAD no frequency). This premature translational stop signal has been observed in individual(s) with clinical features of hereditary breast and ovarian cancer syndrome (PMID: 25151137, 29446198, 29580149, 30039884). ClinVar contains an entry for this variant (Variation ID: 266795). For these reasons, this variant has been classified as Pathogenic.

GeneDx
Classification: Pathogenic. Last evaluated: 2024-06-17. Review status: criteria provided, single submitter. Criteria: GeneDx Variant Classification Process June 2021. Collection method: clinical testing. Allele origin: germline. Affected: yes. Not counted in ClinVar's aggregate classification.
Comment: Nonsense variant predicted to result in protein truncation or nonsense mediated decay in a gene for which loss of function is a known mechanism of disease; Not observed at significant frequency in large population cohorts (gnomAD); Truncating variants in this gene are considered pathogenic by a well-established clinical consortium and/or database; Also known as 4439C>G; This variant is associated with the following publications: (PMID: 36999648, 29446198, 31825140, 35734583, 36401126, 25151137, 30039884, 29580149)

Baylor Genetics
Classification: Pathogenic for Familial cancer of breast. Last evaluated: 2022-07-05. Review status: criteria provided, single submitter. Criteria: ACMG Guidelines, 2015. Collection method: clinical testing. Allele origin: unknown. Not counted in ClinVar's aggregate classification.

Consortium of Investigators of Modifiers of BRCA1/2 (CIMBA), c/o University of Cambridge
Classification: Pathogenic for Breast-ovarian cancer, familial, susceptibility to, 2. Last evaluated: 2015-10-02. Review status: criteria provided, single submitter. Criteria: CIMBA Mutation Classification guidelines May 2016. Collection method: clinical testing. Allele origin: germline. Not counted in ClinVar's aggregate classification.

Department of Pathology and Laboratory Medicine, Sinai Health System
Classification: Pathogenic for Breast-ovarian cancer, familial, susceptibility to, 2. Review status: no assertion criteria provided. Collection method: clinical testing. Allele origin: unknown. Affected: yes. Study: The Canadian Open Genetics Repository (COGR). Not counted in ClinVar's aggregate classification.
Comment: The BRCA2 p.Ser1404X variant was identified in dbSNP (ID: rs41293489) as â€šÃ„ÃºWith uncertain significance alleleâ€šÃ„Ã¹ and UMD (1x as a causal variant). The variant was not identified in the Exome Aggregation Consortium database, the Fanconi Anemia Mutation Database (LOVD), COSMIC, ClinVar, Clinvitae, ARUP Laboratories BRCA Mutations Database, GeneInsight COGR, or BIC. The p.Ser1404X variant leads to a premature stop codon at position 1404, which is predicted to lead to a truncated or absent protein and loss of function. Loss of function variants of the BRCA2 gene are an established mechanism of disease in hereditary breast and ovarian cancer and is the type of variant expected to cause the disorder. In summary, based on the above information, this variant meets our laboratoryâ€šÃ„Ã´s criteria to be classified as pathogenic.

Literature cited by the submitters: PubMed 25151137 (cited by 3 submitters); PubMed 29446198 (cited by Color Diagnostics, LLC DBA Color Health and Labcorp Genetics (formerly Invitae), Labcorp); PubMed 29580149 (cited by Color Diagnostics, LLC DBA Color Health and Labcorp Genetics (formerly Invitae), Labcorp); PubMed 30039884 (cited by Color Diagnostics, LLC DBA Color Health and Labcorp Genetics (formerly Invitae), Labcorp); PubMed 35734583 (cited by Color Diagnostics, LLC DBA Color Health); PubMed 36999648 (cited by Color Diagnostics, LLC DBA Color Health); PubMed 20104584 (cited by Labcorp Genetics (formerly Invitae), Labcorp).